The following is an entry in ClinVar:

NM_139215.3(TAF15):c.1473T>A (p.Gly491=)

Gene: TAF15 (TATA-box binding protein associated factor 15; plus strand). Cytogenetic location: 17q12.
Variant type: single nucleotide variant.
Coding change: c.1473T>A on transcript NM_139215.3 (MANE Select); coding-DNA position 1473, T replaced by A.
Protein change: p.Gly491=; no amino-acid change (glycine 491 retained).
Molecular consequence: synonymous variant.
Genome position (GRCh38, 1-based): chr17:35,844,772, T>A. VCF-style: chr17-35844772-T-A. GRCh37 (hg19) VCF-style: chr17-34171776-T-A.
Other names: c.1464T>A, p.Gly488= (NM_003487.4).
Identifiers: ClinVar variation 3355804 (VCV003355804.1).

ClinVar aggregate classification (germline): Likely benign (0 of 4 stars; one submission).

Conditions:
TAF15-related disorder. Also called: TAF15-related condition.

Submission:

PreventionGenetics, part of Exact Sciences
Classification: Likely benign for TAF15-related condition. Last evaluated: 2022-12-01. Review status: no assertion criteria provided. Collection method: clinical testing. Allele origin: germline.
Comment: This variant is classified as likely benign based on ACMG/AMP sequence variant interpretation guidelines (Richards et al. 2015 PMID: 25741868, with internal and published modifications).